The following is an entry in ClinVar:

NM_005733.3(KIF20A):c.2401C>G (p.Leu801Val)

Gene: KIF20A (kinesin family member 20A; plus strand). Cytogenetic location: 5q31.2.
Variant type: single nucleotide variant.
Coding change: c.2401C>G on transcript NM_005733.3 (MANE Select); coding-DNA position 2401, C replaced by G.
Protein change: p.Leu801Val; replaces leucine 801 with valine.
Molecular consequence: missense variant.
Genome position (GRCh38, 1-based): chr5:138,187,141, C>G. VCF-style: chr5-138187141-C-G. GRCh37 (hg19) VCF-style: chr5-137522830-C-G.
Other names: short protein forms L801V.
Identifiers: ClinVar variation 1938168 (VCV001938168.6), dbSNP rs140968747, ClinGen allele CA3426912.

ClinVar aggregate classification (germline): Uncertain significance. Review status: criteria provided, multiple submitters, no conflicts (2 of 4 stars). 2 submissions from 2 submitters: Uncertain significance (2). Last evaluated 2025-09-24.

Allele frequency attached by ClinVar (database versions not stated): gnomAD 0.00001; ExAC 0.00002; gnomAD exomes 0.00003; TOPMed 0.00004; ESP Exome Variant Server 0.00008.
gnomAD v4.1: 42 of 1,613,608 alleles (0.0026%); highest among the groups gnomAD compares: Non-Finnish European, 0.0034%; no homozygotes.

Submissions (2):

Labcorp Genetics (formerly Invitae), Labcorp
Classification: Uncertain significance. Last evaluated: 2025-09-24. Review status: criteria provided, single submitter. Criteria: Invitae Variant Classification Sherloc (09022015). Collection method: clinical testing. Allele origin: germline.
Comment: This sequence change replaces leucine, which is neutral and non-polar, with valine, which is neutral and non-polar, at codon 801 of the KIF20A protein (p.Leu801Val). This variant is present in population databases (rs140968747, gnomAD 0.004%). This variant has not been reported in the literature in individuals affected with KIF20A-related conditions. ClinVar contains an entry for this variant (Variation ID: 1938168). An algorithm developed to predict the effect of missense changes on protein structure and function (PolyPhen-2) suggests that this variant is likely to be tolerated. In summary, the available evidence is currently insufficient to determine the role of this variant in disease. Therefore, it has been classified as a Variant of Uncertain Significance.

Ambry Genetics
Classification: Uncertain significance. Last evaluated: 2022-04-07. Review status: criteria provided, single submitter. Criteria: Ambry Variant Classification Scheme 2023. Collection method: clinical testing. Allele origin: germline.